The following is an entry in ClinVar:

ClinVar aggregate classification (germline): Uncertain significance. Review status: criteria provided, multiple submitters, no conflicts (2 of 4 stars). 3 submissions from 3 submitters: Uncertain significance (2). 1 of the submissions does not count toward it. Last evaluated 2024-11-05.

Conditions:
PCNT-related disorder. Also called: PCNT-related condition.
Inborn genetic diseases. Identifiers: MedGen C0950123, MeSH D030342.

Allele frequency attached by ClinVar (database versions not stated): TOPMed below 0.00001; gnomAD exomes 0.00001.
gnomAD v4.1: 13 of 1,565,156 alleles (0.00083%); highest among the groups gnomAD compares: Middle Eastern, 0.052%; no homozygotes.

Submissions (3):

Labcorp Genetics (formerly Invitae), Labcorp
Classification: Uncertain significance. Last evaluated: 2024-11-05. Review status: criteria provided, single submitter. Criteria: Invitae Variant Classification Sherloc (09022015). Collection method: clinical testing. Allele origin: germline.
Comment: This sequence change replaces aspartic acid, which is acidic and polar, with asparagine, which is neutral and polar, at codon 2257 of the PCNT protein (p.Asp2257Asn). This variant is present in population databases (no rsID available, gnomAD 0.001%). This variant has not been reported in the literature in individuals affected with PCNT-related conditions. ClinVar contains an entry for this variant (Variation ID: 1950348). An algorithm developed to predict the effect of missense changes on protein structure and function (PolyPhen-2) suggests that this variant is likely to be disruptive. In summary, the available evidence is currently insufficient to determine the role of this variant in disease. Therefore, it has been classified as a Variant of Uncertain Significance.

Ambry Genetics
Classification: Uncertain significance for Inborn genetic diseases. Last evaluated: 2024-04-12. Review status: criteria provided, single submitter. Criteria: Ambry Variant Classification Scheme 2023. Collection method: clinical testing. Allele origin: germline.

PreventionGenetics, part of Exact Sciences
Classification: Uncertain significance for PCNT-related condition. Last evaluated: 2024-06-06. Review status: no assertion criteria provided. Collection method: clinical testing. Allele origin: germline. Not counted in ClinVar's aggregate classification.
Comment: The PCNT c.6769G>A variant is predicted to result in the amino acid substitution p.Asp2257Asn. To our knowledge, this variant has not been reported in the literature. This variant is reported in 0.0011% of alleles in individuals of European (Non-Finnish) descent in gnomAD. At this time, the clinical significance of this variant is uncertain due to the absence of conclusive functional and genetic evidence.

NM_006031.6(PCNT):c.6769G>A (p.Asp2257Asn)

Gene: PCNT (pericentrin; plus strand). Cytogenetic location: 21q22.3.
Variant type: single nucleotide variant.
Coding change: c.6769G>A on transcript NM_006031.6 (MANE Select); coding-DNA position 6769, G replaced by A.
Protein change: p.Asp2257Asn; replaces aspartic acid 2257 with asparagine.
Molecular consequence: missense variant.
Genome position (GRCh38, 1-based): chr21:46,416,687, G>A. VCF-style: chr21-46416687-G-A. GRCh37 (hg19) VCF-style: chr21-47836601-G-A.
Other names: c.6769G>A (NM_006031.5); c.6415G>A, p.Asp2139Asn (NM_001315529.2); short protein forms D2257N, D2139N.
Identifiers: ClinVar variation 1950348 (VCV001950348.6), dbSNP rs1309491602, ClinGen allele CA410564583.